The following is an entry in ClinVar:

ClinVar aggregate classification (germline): Uncertain significance (1 of 4 stars; one submission).

Submission:

GeneDx
Classification: Uncertain significance. Last evaluated: 2023-05-22. Review status: criteria provided, single submitter. Criteria: GeneDx Variant Classification Process June 2021. Collection method: clinical testing. Allele origin: germline. Affected: yes.
Comment: Not observed at significant frequency in large population cohorts (gnomAD); In silico analysis supports that this missense variant does not alter protein structure/function; Has not been previously published as pathogenic or benign to our knowledge

NM_003413.4(ZIC3):c.430G>A (p.Ala144Thr)

Gene: ZIC3 (Zic family member 3; plus strand). Cytogenetic location: Xq26.3.
Variant type: single nucleotide variant.
Coding change: c.430G>A on transcript NM_003413.4 (MANE Select); coding-DNA position 430, G replaced by A.
Protein change: p.Ala144Thr; replaces alanine 144 with threonine.
Molecular consequence: missense variant.
Genome position (GRCh38, 1-based): chrX:137,567,121, G>A. VCF-style: chrX-137567121-G-A. GRCh37 (hg19) VCF-style: chrX-136649280-G-A.
Other names: c.430G>A, p.Ala144Thr (NM_001330661.1); short protein forms A144T.
Identifiers: ClinVar variation 3343803 (VCV003343803.1).